The following is an entry in ClinVar:

ClinVar aggregate classification (germline): Uncertain significance. Review status: criteria provided, multiple submitters, no conflicts (2 of 4 stars). 3 submissions from 3 submitters: Uncertain significance (3). Last evaluated 2024-05-21.

Conditions:
Inborn genetic diseases. Identifiers: MedGen C0950123, MeSH D030342.

Allele frequency attached by ClinVar (database versions not stated): ExAC 0.00001; gnomAD 0.00002; TOPMed 0.00002; gnomAD exomes 0.00003; ESP Exome Variant Server 0.00008.
gnomAD v4.1: 47 of 1,613,868 alleles (0.0029%); highest among the groups gnomAD compares: Non-Finnish European, 0.0039%; no homozygotes.

Submissions (3):

Ambry Genetics
Classification: Uncertain significance for Inborn genetic diseases. Last evaluated: 2024-05-21. Review status: criteria provided, single submitter. Criteria: Ambry Variant Classification Scheme 2023. Collection method: clinical testing. Allele origin: germline.

Labcorp Genetics (formerly Invitae), Labcorp
Classification: Uncertain significance. Last evaluated: 2022-06-14. Review status: criteria provided, single submitter. Criteria: Invitae Variant Classification Sherloc (09022015). Collection method: clinical testing. Allele origin: germline.
Comment: This sequence change replaces glutamic acid, which is acidic and polar, with glutamine, which is neutral and polar, at codon 294 of the CDHR1 protein (p.Glu294Gln). This variant is present in population databases (rs367704614, gnomAD 0.002%). This variant has not been reported in the literature in individuals affected with CDHR1-related conditions. Advanced modeling of protein sequence and biophysical properties (such as structural, functional, and spatial information, amino acid conservation, physicochemical variation, residue mobility, and thermodynamic stability) performed at Invitae indicates that this missense variant is not expected to disrupt CDHR1 protein function. In summary, the available evidence is currently insufficient to determine the role of this variant in disease. Therefore, it has been classified as a Variant of Uncertain Significance.

Blueprint Genetics
Classification: Uncertain significance. Last evaluated: 2017-07-18. Review status: criteria provided, single submitter. Criteria: ACMG Guidelines, 2015. Collection method: clinical testing. Allele origin: germline.

NM_033100.4(CDHR1):c.880G>C (p.Glu294Gln)

Gene: CDHR1 (cadherin related family member 1; plus strand). Cytogenetic location: 10q23.1.
Variant type: single nucleotide variant.
Coding change: c.880G>C on transcript NM_033100.4 (MANE Select); coding-DNA position 880, G replaced by C.
Protein change: p.Glu294Gln; replaces glutamic acid 294 with glutamine.
Molecular consequence: missense variant.
Genome position (GRCh38, 1-based): chr10:84,205,844, G>C. VCF-style: chr10-84205844-G-C. GRCh37 (hg19) VCF-style: chr10-85965600-G-C.
Other names: c.880G>C, p.Glu294Gln (NM_001171971.3); c.880G>C (NM_033100.2); short protein forms E294Q.
Identifiers: ClinVar variation 1947210 (VCV001947210.4), dbSNP rs367704614, ClinGen allele CA5579768.